The following is an entry in ClinVar:

NM_001348716.2(KDM6B):c.4384G>A (p.Val1462Met)

Genes: KDM6B (lysine demethylase 6B; plus strand), LOC121587574 (Sharpr-MPRA regulatory region 3930; plus strand). Cytogenetic location: 17p13.1.
Variant type: single nucleotide variant.
Coding change: c.4384G>A on transcript NM_001348716.2 (MANE Select); coding-DNA position 4384, G replaced by A.
Protein change: p.Val1462Met; replaces valine 1462 with methionine.
Molecular consequence: missense variant.
Genome position (GRCh38, 1-based): chr17:7,852,252, G>A. VCF-style: chr17-7852252-G-A. GRCh37 (hg19) VCF-style: chr17-7755570-G-A.
Other names: c.4384G>A, p.Val1462Met (NM_001080424.2); short protein forms V1462M.
Identifiers: ClinVar variation 3389869 (VCV003389869.14).
Genomic context (GRCh38, chr17:7,852,252, plus strand): 5'-GATGATCTCTATGCATCCAATATTCCTGTGTACCGCTTCGTGCAGCGACCCGGAGACCTC[G>A]TGTGGATTAATGCGGGGACTGTGCACTGGGTGCAGGCCACCGGCTGGTGCAACAACATTG-3'
Protein context (NP_001335645.1, residues 1452-1472): YRFVQRPGDL[Val1462Met]WINAGTVHWV

ClinVar aggregate classification (germline): Uncertain significance (1 of 4 stars; one submission).

Submission:

CeGaT Center for Human Genetics Tuebingen
Classification: Uncertain significance. Last evaluated: 2024-10-01. Review status: criteria provided, single submitter. Criteria: CeGaT Center For Human Genetics Tuebingen Variant Classification Criteria Version 2. Collection method: clinical testing. Allele origin: germline. Affected: yes. Observed: 1 variant allele.
Comment: KDM6B: PM2, PP2, PP3